The following is an entry in ClinVar:

NM_021076.4(NEFH):c.2236TCCCCAGAGAAGGCCAAG[1] (p.746SPEKAK[1])

Gene: NEFH (neurofilament heavy chain; plus strand). Cytogenetic location: 22q12.2.
Variant type: Microsatellite.
Coding change: c.2236TCCCCAGAGAAGGCCAAG[1] on transcript NM_021076.4 (MANE Select); one copy of the 18-base unit TCCCCAGAGAAGGCCAAG starting at c.2236; the reference has two copies in a row; one copy, 18 bases deleted; also written c.2254_2271del.
Protein change: p.746SPEKAK[1].
Molecular consequence: inframe deletion.
Genome position (GRCh38, 1-based): chr22:29,489,894-29,489,911, TCCCCAGAGAAGGCCAAG deleted; deleting any 18 consecutive bases within chr22:29,489,873-29,489,911 gives the same sequence; the position shown is the placement nearest the transcript's 3' end. VCF-style (leftmost placement, unchanged base first): chr22-29489872-TAAGTCCCCAGAGAAGGCC-T. GRCh37 (hg19) VCF-style: chr22-29885861-TAAGTCCCCAGAGAAGGCC-T.
Other names: c.2254_2271del18 (NM_021076.3); c.2254_2271del (NM_021076.3).
Identifiers: ClinVar variation 1581724 (VCV001581724.12), dbSNP rs1050022799, ClinGen allele CA323088709.
Genomic context (GRCh38, chr22:29,489,872, plus strand): 5'-CCCAGTGAAGGAAGAAGCAAAGACCCCCGAGAAGGCCAAGTCCCCAGTGAAGGAAGAAGC[TAAGTCCCCAGAGAAGGCC>T]AAGTCCCCAGAGAAGGCCAAGACTCTTGATGTGAAGTCTCCAGAAGCCAAGACTCCAGCG-3'

ClinVar aggregate classification (germline): Conflicting classifications of pathogenicity. Review status: criteria provided, conflicting classifications (1 of 4 stars). 4 submissions from 4 submitters: Uncertain significance (1); Likely benign (2). 1 of the submissions does not count toward it. Last evaluated 2025-10-15.

Conditions:
Inborn genetic diseases. Identifiers: MedGen C0950123, MeSH D030342.
NEFH-related disorder. Also called: NEFH-related condition.

Submissions (4):

Labcorp Genetics (formerly Invitae), Labcorp
Classification: Likely benign. Last evaluated: 2025-10-15. Review status: criteria provided, single submitter. Criteria: Invitae Variant Classification Sherloc (09022015). Collection method: clinical testing. Allele origin: germline.

GeneDx
Classification: Uncertain significance. Last evaluated: 2025-08-02. Review status: criteria provided, single submitter. Criteria: GeneDx Variant Classification Process June 2021. Collection method: clinical testing. Allele origin: germline. Affected: yes.
Comment: Reported as a de novo variant in a patient in published literature from a cohort of individuals with autism spectrum disorder; however, detailed clinical information was not provided and de novo variants in other genes were also reported (PMID: 35982160); In silico analysis supports a deleterious effect on protein structure/function; In-frame deletion of 6 amino acids in a non-repeat region; This variant is associated with the following publications: (PMID: 35982160)

Ambry Genetics
Classification: Likely benign for Inborn genetic diseases. Last evaluated: 2020-01-03. Review status: criteria provided, single submitter. Criteria: Ambry Variant Classification Scheme 2023. Collection method: clinical testing. Allele origin: germline.

PreventionGenetics, part of Exact Sciences
Classification: Likely benign for NEFH-related condition. Last evaluated: 2024-05-31. Review status: no assertion criteria provided. Collection method: clinical testing. Allele origin: germline. Not counted in ClinVar's aggregate classification.
Comment: This variant is classified as likely benign based on ACMG/AMP sequence variant interpretation guidelines (Richards et al. 2015 PMID: 25741868, with internal and published modifications).